The following is an entry in ClinVar:

NM_000138.5(FBN1):c.2009del (p.Cys670fs)

Gene: FBN1 (fibrillin 1; minus strand). Cytogenetic location: 15q21.1.
Variant type: Deletion.
Coding change: c.2009del on transcript NM_000138.5 (MANE Select); coding-DNA position 2009, one base deleted (G; older notation c.2009delG).
Protein change: p.Cys670fs; shifts the reading frame from cysteine 670.
Molecular consequence: frameshift variant.
Genome position (GRCh38, 1-based): chr15:48,503,891, C deleted on the plus strand (G on the coding strand, the reverse complement: FBN1 is on the minus strand). VCF-style (leftmost placement, unchanged base first): chr15-48503890-AC-A. GRCh37 (hg19) VCF-style: chr15-48796087-AC-A.
Other names: c.2009del, p.Cys670fs (NM_001406716.1); short protein forms C670fs.
Identifiers: ClinVar variation 3849178 (VCV003849178.1).
Genomic context (GRCh38, chr15:48,503,890, plus strand): 5'-ATACTCAGTGCTGGCGCAACAGCATTCAGATTTAGTGACAGCACCAAACAAAGGTTTGAT[AC>A]ACTGGCCTCTCTTGTATCCACCATAGCATGTGCTCCGCATGTGTGTGTCTAAACAGGAAG-3'

ClinVar aggregate classification (germline): Pathogenic (1 of 4 stars; one submission).

Conditions:
Familial thoracic aortic aneurysm and aortic dissection (TAAD). Also called: Thoracic aortic aneurysms and dissections. Identifiers: Orphanet 91387, MedGen C4707243, MONDO:0019625.

Submission:

Ambry Genetics
Classification: Pathogenic for Familial thoracic aortic aneurysm and aortic dissection. Last evaluated: 2025-02-07. Review status: criteria provided, single submitter. Criteria: Ambry Variant Classification Scheme 2023. Collection method: clinical testing. Allele origin: germline.
Comment: The c.2009delG pathogenic mutation, located in coding exon 16 of the FBN1 gene, results from a deletion of one nucleotide at nucleotide position 2009, causing a translational frameshift with a predicted alternate stop codon (p.C670Lfs*48). This variant is considered to be rare based on population cohorts in the Genome Aggregation Database (gnomAD). This alteration is expected to result in loss of function by premature protein truncation or nonsense-mediated mRNA decay. As such, this alteration is interpreted as a disease-causing mutation.